The following is an entry in ClinVar:

NM_015999.6(ADIPOR1):c.71C>T (p.Thr24Met)

Gene: ADIPOR1 (adiponectin receptor 1; minus strand). Cytogenetic location: 1q32.1.
Variant type: single nucleotide variant.
Coding change: c.71C>T on transcript NM_015999.6 (MANE Select); coding-DNA position 71, C replaced by T.
Protein change: p.Thr24Met; replaces threonine 24 with methionine.
Molecular consequence: missense variant.
Genome position (GRCh38, 1-based): chr1:202,951,000, G>A on the plus strand (C>T on the coding strand, the complement: ADIPOR1 is on the minus strand). VCF-style: chr1-202951000-G-A. GRCh37 (hg19) VCF-style: chr1-202920128-G-A.
Other names: c.71C>T, p.Thr24Met (NM_001290553.2, NM_001290557.1, NM_001290629.1); short protein forms T24M.
Identifiers: ClinVar variation 1388709 (VCV001388709.6), dbSNP rs369139073, ClinGen allele CA1336040.

ClinVar aggregate classification (germline): Uncertain significance (1 of 4 stars; one submission).

Allele frequency attached by ClinVar (database versions not stated): ExAC 0.00002; gnomAD exomes 0.00002; gnomAD 0.00005; TOPMed 0.00006; ESP Exome Variant Server 0.00008; 1000 Genomes Project 30x 0.00016; 1000 Genomes Project 0.00020.
gnomAD v4.1: 23 of 1,614,128 alleles (0.0014%); highest among the groups gnomAD compares: African/African-American, 0.008%; no homozygotes.

Submission:

Labcorp Genetics (formerly Invitae), Labcorp
Classification: Uncertain significance. Last evaluated: 2022-10-19. Review status: criteria provided, single submitter. Criteria: Invitae Variant Classification Sherloc (09022015). Collection method: clinical testing. Allele origin: germline.
Comment: This sequence change replaces threonine, which is neutral and polar, with methionine, which is neutral and non-polar, at codon 24 of the ADIPOR1 protein (p.Thr24Met). This variant is present in population databases (rs369139073, gnomAD 0.01%). This variant has not been reported in the literature in individuals affected with ADIPOR1-related conditions. ClinVar contains an entry for this variant (Variation ID: 1388709). Algorithms developed to predict the effect of missense changes on protein structure and function (SIFT, PolyPhen-2, Align-GVGD) all suggest that this variant is likely to be tolerated. In summary, the available evidence is currently insufficient to determine the role of this variant in disease. Therefore, it has been classified as a Variant of Uncertain Significance.